The following is an entry in ClinVar:

ClinVar aggregate classification (germline): Pathogenic. Review status: criteria provided, multiple submitters, no conflicts (2 of 4 stars). 2 submissions from 2 submitters: Pathogenic (2). Last evaluated 2021-11-19.

Conditions:
Charcot-Marie-Tooth disease type 4. Also called: Charcot-Marie-Tooth, Type 4; Charcot-Marie-Tooth disease, type IV. Identifiers: Orphanet 64749, MedGen C4082197, MONDO:0018995.

Allele frequency attached by ClinVar (database versions not stated): TOPMed below 0.00001; ExAC 0.00001; gnomAD exomes 0.00001.
gnomAD v4.1: 14 of 1,613,460 alleles (0.00087%); highest among the groups gnomAD compares: Non-Finnish European, 0.0012%; no homozygotes.

Submissions (2):

Labcorp Genetics (formerly Invitae), Labcorp
Classification: Pathogenic for Charcot-Marie-Tooth disease type 4. Last evaluated: 2021-11-19. Review status: criteria provided, single submitter. Criteria: Invitae Variant Classification Sherloc (09022015). Collection method: clinical testing. Allele origin: germline.
Comment: For these reasons, this variant has been classified as Pathogenic. ClinVar contains an entry for this variant (Variation ID: 373058). This variant has not been reported in the literature in individuals affected with FIG4-related conditions. This variant is present in population databases (rs774799167, gnomAD 0.002%). This sequence change creates a premature translational stop signal (p.Gln738*) in the FIG4 gene. It is expected to result in an absent or disrupted protein product. Loss-of-function variants in FIG4 are known to be pathogenic (PMID: 23623387).

GeneDx
Classification: Pathogenic. Last evaluated: 2016-11-03. Review status: criteria provided, single submitter. Criteria: GeneDx Variant Classification (06012015). Collection method: clinical testing. Allele origin: germline. Affected: yes.
Comment: The Q738X variant in the FIG4 gene has not been reported previously as a pathogenic variant nor as a benign variant,to our knowledge. This variant is predicted to cause loss of normal protein function either through protein truncationor nonsense-mediated mRNA decay. The Q738X variant was not observed in approximately 6500 individuals ofEuropean and African American ancestry in the NHLBI Exome Sequencing Project, indicating it is not a commonbenign variant in these populations. We interpret Q738X as a pathogenic variant.

Literature cited by the submitters: PubMed 23623387 (cited by Labcorp Genetics (formerly Invitae), Labcorp).

NM_014845.6(FIG4):c.2212C>T (p.Gln738Ter)

Gene: FIG4 (FIG4 phosphoinositide 5-phosphatase; plus strand). Cytogenetic location: 6q21.
Variant type: single nucleotide variant.
Coding change: c.2212C>T on transcript NM_014845.6 (MANE Select); coding-DNA position 2212, C replaced by T.
Protein change: p.Gln738Ter; replaces glutamine 738 with a stop codon.
Molecular consequence: nonsense.
Genome position (GRCh38, 1-based): chr6:109,791,407, C>T. VCF-style: chr6-109791407-C-T. GRCh37 (hg19) VCF-style: chr6-110112610-C-T.
Other names: short protein forms Q738*.
Identifiers: ClinVar variation 373058 (VCV000373058.8), dbSNP rs774799167, ClinGen allele CA3956324.
Genomic context (GRCh38, chr6:109,791,407, plus strand): 5'-GCTTCACTTCCATATTATTCTTTTAAAAGAAACAAAAGCAATAGAGAAGAAGCTGTATTA[C>T]AGCGGAAAACGGCAGCCAGCGCCCCGCCGCCCCCCAGCGAGGAGGCTGTGTCCAGCAGCT-3'